The following is an entry in ClinVar:

NM_001365480.1(CCDC88A):c.1514A>C (p.Lys505Thr)

Gene: CCDC88A (coiled-coil domain containing 88A; minus strand). Cytogenetic location: 2p16.1.
Variant type: single nucleotide variant.
Coding change: c.1514A>C on transcript NM_001365480.1 (MANE Select); coding-DNA position 1514, A replaced by C.
Protein change: p.Lys505Thr; replaces lysine 505 with threonine.
Molecular consequence: missense variant.
Genome position (GRCh38, 1-based): chr2:55,339,468, T>G on the plus strand (A>C on the coding strand, the complement: CCDC88A is on the minus strand). VCF-style: chr2-55339468-T-G. GRCh37 (hg19) VCF-style: chr2-55566604-T-G.
Other names: c.1514A>C, p.Lys505Thr (NM_001135597.2, NM_001254943.2, NM_018084.5); c.1514A>C (NM_001135597.1); short protein forms K505T.
Identifiers: ClinVar variation 1421071 (VCV001421071.6), dbSNP rs374018684, ClinGen allele CA1666132.

ClinVar aggregate classification (germline): Uncertain significance. Review status: criteria provided, multiple submitters, no conflicts (2 of 4 stars). 2 submissions from 2 submitters: Uncertain significance (2). Last evaluated 2024-08-19.

Allele frequency attached by ClinVar (database versions not stated): gnomAD exomes 0.00005.
gnomAD v4.1: 11 of 1,549,602 alleles (0.00071%); highest among the groups gnomAD compares: Admixed American, 0.021%; no homozygotes.

Submissions (2):

Ambry Genetics
Classification: Uncertain significance. Last evaluated: 2024-08-19. Review status: criteria provided, single submitter. Criteria: Ambry Variant Classification Scheme 2023. Collection method: clinical testing. Allele origin: germline.

Labcorp Genetics (formerly Invitae), Labcorp
Classification: Uncertain significance. Last evaluated: 2022-08-10. Review status: criteria provided, single submitter. Criteria: Invitae Variant Classification Sherloc (09022015). Collection method: clinical testing. Allele origin: germline.
Comment: This sequence change replaces lysine, which is basic and polar, with threonine, which is neutral and polar, at codon 505 of the CCDC88A protein (p.Lys505Thr). This variant is present in population databases (rs374018684, gnomAD 0.04%). This variant has not been reported in the literature in individuals affected with CCDC88A-related conditions. ClinVar contains an entry for this variant (Variation ID: 1421071). Algorithms developed to predict the effect of missense changes on protein structure and function (SIFT, PolyPhen-2, Align-GVGD) all suggest that this variant is likely to be tolerated. In summary, the available evidence is currently insufficient to determine the role of this variant in disease. Therefore, it has been classified as a Variant of Uncertain Significance.